The following is an entry in ClinVar:

ClinVar aggregate classification (germline): Pathogenic (1 of 4 stars; one submission).

Submission:

GeneDx
Classification: Pathogenic. Last evaluated: 2017-03-22. Review status: criteria provided, single submitter. Criteria: GeneDx Variant Classification (06012015). Collection method: clinical testing. Allele origin: germline. Affected: yes.
Comment: The R337X nonsense variant in the NONO gene has not been reported previously as a pathogenic variant nor as a benign variant, to our knowledge. This variant is predicted to cause loss of normal protein function either through protein truncation or nonsense-mediated mRNA decay. It is not observed in large population cohorts (Lek et al., 2016; 1000 Genomes Consortium et al., 2015; Exome Variant Server). We interpret R337X as a pathogenic variant.

NM_007363.5(NONO):c.1009C>T (p.Arg337Ter)

Gene: NONO (non-POU domain containing octamer binding; plus strand). Cytogenetic location: Xq13.1.
Variant type: single nucleotide variant.
Coding change: c.1009C>T on transcript NM_007363.5 (MANE Select); coding-DNA position 1009, C replaced by T.
Protein change: p.Arg337Ter; replaces arginine 337 with a stop codon.
Molecular consequence: nonsense.
Genome position (GRCh38, 1-based): chrX:71,297,442, C>T. VCF-style: chrX-71297442-C-T. GRCh37 (hg19) VCF-style: chrX-70517292-C-T.
Other names: c.1009C>T, p.Arg337Ter (NM_001145408.2, NM_001145409.2); c.742C>T, p.Arg248Ter (NM_001145410.2); short protein forms R337*, R248*.
Identifiers: ClinVar variation 426955 (VCV000426955.2), dbSNP rs1085307870, ClinGen allele CA413545981.